The following is an entry in ClinVar:

ClinVar aggregate classification (germline): Uncertain significance. Review status: criteria provided, multiple submitters, no conflicts (2 of 4 stars). 2 submissions from 2 submitters: Uncertain significance (2). Last evaluated 2024-11-05.

Conditions:
Hereditary cancer-predisposing syndrome. Also called: Hereditary Cancer Syndrome; Tumor predisposition; Neoplastic Syndromes, Hereditary; Hereditary neoplastic syndrome. Identifiers: Orphanet 140162, MedGen C0027672, MeSH D009386, MONDO:0015356.
Familial adenomatous polyposis 1 (FAP1). Also called: FAMILIAL ADENOMATOUS POLYPOSIS 1, ATTENUATED; POLYPOSIS, ADENOMATOUS INTESTINAL. Identifiers: MedGen C2713442, MONDO:0021056, OMIM 175100. Disease mechanism: loss of function.

Submissions (2):

Labcorp Genetics (formerly Invitae), Labcorp
Classification: Uncertain significance for Familial adenomatous polyposis 1. Last evaluated: 2024-11-05. Review status: criteria provided, single submitter. Criteria: Invitae Variant Classification Sherloc (09022015). Collection method: clinical testing. Allele origin: germline.
Comment: This sequence change replaces glutamic acid, which is acidic and polar, with glutamine, which is neutral and polar, at codon 2061 of the APC protein (p.Glu2061Gln). This variant is not present in population databases (gnomAD no frequency). This variant has not been reported in the literature in individuals affected with APC-related conditions. ClinVar contains an entry for this variant (Variation ID: 2102451). Invitae Evidence Modeling of protein sequence and biophysical properties (such as structural, functional, and spatial information, amino acid conservation, physicochemical variation, residue mobility, and thermodynamic stability) indicates that this missense variant is not expected to disrupt APC protein function with a negative predictive value of 95%. In summary, the available evidence is currently insufficient to determine the role of this variant in disease. Therefore, it has been classified as a Variant of Uncertain Significance.

Ambry Genetics
Classification: Uncertain significance for Hereditary cancer-predisposing syndrome. Last evaluated: 2022-11-16. Review status: criteria provided, single submitter. Criteria: Ambry Variant Classification Scheme 2023. Collection method: clinical testing. Allele origin: germline.
Comment: The p.E2061Q variant (also known as c.6181G>C), located in coding exon 15 of the APC gene, results from a G to C substitution at nucleotide position 6181. The glutamic acid at codon 2061 is replaced by glutamine, an amino acid with highly similar properties. This amino acid position is well conserved in available vertebrate species. In addition, in silico predictors for this gene do not accurately predict pathogenicity. Since supporting evidence is limited at this time, the clinical significance of this alteration remains unclear.

NM_000038.6(APC):c.6181G>C (p.Glu2061Gln)

Gene: APC (APC regulator of Wnt signaling pathway; plus strand). Cytogenetic location: 5q22.2.
Variant type: single nucleotide variant.
Coding change: c.6181G>C on transcript NM_000038.6 (MANE Select); coding-DNA position 6181, G replaced by C.
Protein change: p.Glu2061Gln; replaces glutamic acid 2061 with glutamine.
Molecular consequence: missense variant.
Genome position (GRCh38, 1-based): chr5:112,841,775, G>C. VCF-style: chr5-112841775-G-C. GRCh37 (hg19) VCF-style: chr5-112177472-G-C.
Other names: c.6181G>C, p.Glu2061Gln (NM_001127510.3, NM_001354895.2, NM_001407450.1); c.6127G>C, p.Glu2043Gln (NM_001127511.3); c.6235G>C, p.Glu2079Gln (NM_001354896.2, NM_001407447.1, NM_001407448.1 and 1 more transcripts); c.6211G>C, p.Glu2071Gln (NM_001354897.2); c.6106G>C, p.Glu2036Gln (NM_001354898.2); c.6097G>C, p.Glu2033Gln (NM_001354899.2); c.6058G>C, p.Glu2020Gln (NM_001354900.2); c.6004G>C, p.Glu2002Gln (NM_001354901.2, NM_001407453.1); and 12 more; short protein forms E1935Q, E1978Q, E2020Q, E2061Q, E2089Q, E1932Q, E2051Q, E1778Q.
Identifiers: ClinVar variation 2102451 (VCV002102451.6), dbSNP rs762769064, ClinGen allele CA16034867.
Genomic context (GRCh38, chr5:112,841,775, plus strand): 5'-GAATGTATAAGCTCCGCAATGCCAAAAAAGAAAAAGCCTTCAAGACTCAAGGGTGATAAT[G>C]AAAAACATAGTCCCAGAAATATGGGTGGCATATTAGGTGAAGATCTGACACTTGATTTGA-3'
Protein context (NP_000029.2, residues 2051-2071): KKPSRLKGDN[Glu2061Gln]KHSPRNMGGI